The following is an entry in ClinVar:

ClinVar aggregate classification (germline): Uncertain significance. Review status: criteria provided, multiple submitters, no conflicts (2 of 4 stars). 2 submissions from 2 submitters: Uncertain significance (2). Last evaluated 2024-01-09.

Conditions:
Charcot-Marie-Tooth disease dominant intermediate E. Also called: CHARCOT-MARIE-TOOTH NEUROPATHY WITH FOCAL SEGMENTAL GLOMERULONEPHRITIS. Identifiers: Orphanet 93114, MedGen C4302667, MONDO:0013758, OMIM 614455.
Focal segmental glomerulosclerosis 5 (FSGS5). Identifiers: Orphanet 656, MedGen C2750475, MONDO:0013191, OMIM 613237.

Allele frequency attached by ClinVar (database versions not stated): gnomAD exomes below 0.00001; gnomAD 0.00003; TOPMed 0.00003; ESP Exome Variant Server 0.00008; ExAC 0.00010; 1000 Genomes Project 0.00020; 1000 Genomes Project 30x 0.00031.

Submissions (2):

Fulgent Genetics
Classification: Uncertain significance for Focal segmental glomerulosclerosis 5; Charcot-Marie-Tooth disease dominant intermediate E. Last evaluated: 2024-01-09. Review status: criteria provided, single submitter. Criteria: ACMG Guidelines, 2015. Collection method: clinical testing. Allele origin: germline.

Labcorp Genetics (formerly Invitae), Labcorp
Classification: Uncertain significance for Charcot-Marie-Tooth disease dominant intermediate E; Focal segmental glomerulosclerosis 5. Last evaluated: 2023-09-28. Review status: criteria provided, single submitter. Criteria: Invitae Variant Classification Sherloc (09022015). Collection method: clinical testing. Allele origin: germline.
Comment: This sequence change replaces arginine, which is basic and polar, with tryptophan, which is neutral and slightly polar, at codon 735 of the INF2 protein (p.Arg735Trp). The frequency data for this variant in the population databases is considered unreliable, as metrics indicate poor data quality at this position in the gnomAD database. In summary, the available evidence is currently insufficient to determine the role of this variant in disease. Therefore, it has been classified as a Variant of Uncertain Significance. Advanced modeling of protein sequence and biophysical properties (such as structural, functional, and spatial information, amino acid conservation, physicochemical variation, residue mobility, and thermodynamic stability) performed at Invitae indicates that this missense variant is not expected to disrupt INF2 protein function. This variant has not been reported in the literature in individuals affected with INF2-related conditions.

NM_022489.4(INF2):c.2203C>T (p.Arg735Trp)

Gene: INF2 (inverted formin 2; plus strand). Cytogenetic location: 14q32.33.
Variant type: single nucleotide variant.
Coding change: c.2203C>T on transcript NM_022489.4 (MANE Select); coding-DNA position 2203, C replaced by T.
Protein change: p.Arg735Trp; replaces arginine 735 with tryptophan.
Molecular consequence: missense variant.
Genome position (GRCh38, 1-based): chr14:104,710,152, C>T. VCF-style: chr14-104710152-C-T. GRCh37 (hg19) VCF-style: chr14-105176489-C-T.
Other names: c.2203C>T, p.Arg735Trp (NM_001031714.4, NM_001426862.1, NM_001426863.1 and 2 more transcripts); short protein forms R735W.
Identifiers: ClinVar variation 2939391 (VCV002939391.4), dbSNP rs371129528, ClinGen allele CA7372858.
Genomic context (GRCh38, chr14:104,710,152, plus strand): 5'-CAGCTGCGAATCGAGTGCATGCTGCTGTGTGAGGGCGCGGCCGCCGTGCTGGACATGGTG[C>T]GGCCCAAGGCCCAGCTGGTGCTGGCTGCCTGCGAAAGTGAGTGGGGCCAAGCGGGGCACG-3'
Protein context (NP_071934.3, residues 725-745): EGAAAVLDMV[Arg735Trp]PKAQLVLAAC